The following is an entry in ClinVar:

NM_002529.4(NTRK1):c.743G>A (p.Gly248Glu)

Gene: NTRK1 (neurotrophic receptor tyrosine kinase 1; plus strand). Cytogenetic location: 1q23.1.
Variant type: single nucleotide variant.
Coding change: c.743G>A on transcript NM_002529.4 (MANE Select); coding-DNA position 743, G replaced by A.
Protein change: p.Gly248Glu; replaces glycine 248 with glutamic acid.
Molecular consequence: missense variant.
Genome position (GRCh38, 1-based): chr1:156,871,648, G>A. VCF-style: chr1-156871648-G-A. GRCh37 (hg19) VCF-style: chr1-156841440-G-A.
Other names: c.653G>A, p.Gly218Glu (NM_001007792.1); c.743G>A, p.Gly248Glu (NM_001012331.2); short protein forms G218E, G248E.
Identifiers: ClinVar variation 1463900 (VCV001463900.6), dbSNP rs879699100, ClinGen allele CA342935064.

ClinVar aggregate classification (germline): Uncertain significance (1 of 4 stars; one submission).

Conditions:
Hereditary insensitivity to pain with anhidrosis (CIPA). Also called: NTRK1 Congenital Insensitivity to Pain with Anhidrosis; hereditary sensory and autonomic neuropathy type 4; FAMILIAL DYSAUTONOMIA, TYPE II; INSENSITIVITY TO PAIN, CONGENITAL, WITH ANHIDROSIS; NEUROPATHY, CONGENITAL SENSORY, WITH ANHIDROSIS; HSAN Type IV. Identifiers: Orphanet 642, MedGen C0020074, MONDO:0009746, OMIM 256800.

Submission:

Labcorp Genetics (formerly Invitae), Labcorp
Classification: Uncertain significance for Hereditary insensitivity to pain with anhidrosis. Last evaluated: 2021-11-03. Review status: criteria provided, single submitter. Criteria: Invitae Variant Classification Sherloc (09022015). Collection method: clinical testing. Allele origin: germline.
Comment: This variant has not been reported in the literature in individuals affected with NTRK1-related conditions. In summary, the available evidence is currently insufficient to determine the role of this variant in disease. Therefore, it has been classified as a Variant of Uncertain Significance. Advanced modeling of protein sequence and biophysical properties (such as structural, functional, and spatial information, amino acid conservation, physicochemical variation, residue mobility, and thermodynamic stability) performed at Invitae indicates that this missense variant is not expected to disrupt NTRK1 protein function. This variant is not present in population databases (gnomAD no frequency). This sequence change replaces glycine, which is neutral and non-polar, with glutamic acid, which is acidic and polar, at codon 248 of the NTRK1 protein (p.Gly248Glu).